The following is an entry in ClinVar:

ClinVar aggregate classification (germline): Likely pathogenic. Review status: criteria provided, multiple submitters, no conflicts (2 of 4 stars). 3 submissions from 3 submitters: Likely pathogenic (3). Last evaluated 2024-03-04.

Conditions:
Walker-Warburg congenital muscular dystrophy. Also called: Muscular dystrophy-dystroglycanopathy, type A; Walker-Warburg syndrome. Identifiers: Orphanet 899, MedGen C0265221, MONDO:0000171.
Dilated cardiomyopathy 1X (CMD1X). Also called: CARDIOMYOPATHY, DILATED, WITH MILD OR NO PROXIMAL MUSCLE WEAKNESS; FKTN-Related Dilated Cardiomyopathy. Identifiers: Orphanet 154, MedGen C1969024, MONDO:0012704, OMIM 611615.

Submissions (3):

Baylor Genetics
Classification: Likely pathogenic for Dilated cardiomyopathy 1X. Last evaluated: 2024-03-04. Review status: criteria provided, single submitter. Criteria: ACMG Guidelines, 2015. Collection method: clinical testing. Allele origin: unknown.

Revvity Omics, Revvity
Classification: Likely pathogenic. Last evaluated: 2023-03-09. Review status: criteria provided, single submitter. Criteria: ACMG Guidelines, 2015. Collection method: clinical testing. Allele origin: germline.

Labcorp Genetics (formerly Invitae), Labcorp
Classification: Likely pathogenic for Walker-Warburg congenital muscular dystrophy. Last evaluated: 2021-09-09. Review status: criteria provided, single submitter. Criteria: Invitae Variant Classification Sherloc (09022015). Collection method: clinical testing. Allele origin: germline.
Comment: In summary, the currently available evidence indicates that the variant is pathogenic, but additional data are needed to prove that conclusively. Therefore, this variant has been classified as Likely Pathogenic. Algorithms developed to predict the effect of sequence changes on RNA splicing suggest that this variant may disrupt the consensus splice site. This variant has not been reported in the literature in individuals affected with FKTN-related conditions. This variant is not present in population databases (ExAC no frequency). This sequence change affects a donor splice site in intron 5 of the FKTN gene. It is expected to disrupt RNA splicing. Variants that disrupt the donor or acceptor splice site typically lead to a loss of protein function (PMID: 16199547), and loss-of-function variants in FKTN are known to be pathogenic (PMID: 17044012, 17878207, 18752264).

Literature cited by the submitters: PubMed 16199547 (cited by Labcorp Genetics (formerly Invitae), Labcorp); PubMed 17044012 (cited by Labcorp Genetics (formerly Invitae), Labcorp); PubMed 17878207 (cited by Labcorp Genetics (formerly Invitae), Labcorp); PubMed 18752264 (cited by Labcorp Genetics (formerly Invitae), Labcorp).

NM_001079802.2(FKTN):c.369+1G>A

Gene: FKTN (fukutin; plus strand). Cytogenetic location: 9q31.2.
Variant type: single nucleotide variant.
Coding change: c.369+1G>A on transcript NM_001079802.2 (MANE Select); the canonical splice donor site of the intron after coding-DNA position 369, G replaced by A.
Molecular consequence: splice donor variant.
Genome position (GRCh38, 1-based): chr9:105,601,349, G>A. VCF-style: chr9-105601349-G-A. GRCh37 (hg19) VCF-style: chr9-108363630-G-A.
Other names: c.369+1G>A (NM_001079802.1, NM_006731.2, NM_001351496.2 and 2 more transcripts); c.-146+1G>A (NM_001351502.2, NM_001351499.2, NM_001351500.2 and 1 more transcripts); c.300+1G>A (NM_001351497.2).
Identifiers: ClinVar variation 1508951 (VCV001508951.9), dbSNP rs764125009, ClinGen allele CA374331845.